The following is an entry in ClinVar:

ClinVar aggregate classification (germline): Uncertain significance. Review status: criteria provided, multiple submitters, no conflicts (2 of 4 stars). 2 submissions from 2 submitters: Uncertain significance (2). Last evaluated 2021-09-01.

Conditions:
Emery-Dreifuss muscular dystrophy 4, autosomal dominant (EDMD4). Also called: EMERY-DREIFUSS MUSCULAR DYSTROPHY 4 WITH VARIABLE FEATURES. Identifiers: Orphanet 261, MedGen C2751807, MONDO:0013071, OMIM 612998.
Autosomal recessive ataxia, Beauce type. Also called: Spinocerebellar ataxia, autosomal recessive 8; ATAXIA, RECESSIVE, OF BEAUCE; SYNE1 Deficiency; SYNE1-Related Autosomal Recessive Cerebellar Ataxia. Identifiers: Orphanet 88644, MedGen C1853116, MONDO:0012549, OMIM 610743.

gnomAD v4.1: 11 of 1,613,932 alleles (0.00068%); highest among the groups gnomAD compares: Non-Finnish European, 0.00093%; no homozygotes.

Submissions (2):

Labcorp Genetics (formerly Invitae), Labcorp
Classification: Uncertain significance for Emery-Dreifuss muscular dystrophy 4, autosomal dominant; Autosomal recessive ataxia, Beauce type. Last evaluated: 2021-09-01. Review status: criteria provided, single submitter. Criteria: Invitae Variant Classification Sherloc (09022015). Collection method: clinical testing. Allele origin: germline.
Comment: This sequence change replaces glutamic acid with valine at codon 5763 of the SYNE1 protein (p.Glu5763Val). The glutamic acid residue is highly conserved and there is a moderate physicochemical difference between glutamic acid and valine. This variant is not present in population databases (ExAC no frequency). This variant has not been reported in the literature in individuals affected with SYNE1-related conditions. Algorithms developed to predict the effect of missense changes on protein structure and function (SIFT, PolyPhen-2, Align-GVGD) all suggest that this variant is likely to be disruptive. In summary, the available evidence is currently insufficient to determine the role of this variant in disease. Therefore, it has been classified as a Variant of Uncertain Significance.

Revvity Omics, Revvity
Classification: Uncertain significance. Last evaluated: 2021-05-27. Review status: criteria provided, single submitter. Criteria: ACMG Guidelines, 2015. Collection method: clinical testing. Allele origin: germline.

NM_182961.4(SYNE1):c.17501A>T (p.Glu5834Val)

Genes: SYNE1 (spectrin repeat containing nuclear envelope protein 1; minus strand), LOC129997480 (ATAC-STARR-seq lymphoblastoid active region 25287; plus strand). Cytogenetic location: 6q25.2.
Variant type: single nucleotide variant.
Coding change: c.17501A>T on transcript NM_182961.4 (MANE Select); coding-DNA position 17501, A replaced by T.
Protein change: p.Glu5834Val; replaces glutamic acid 5834 with valine.
Molecular consequence: missense variant.
Genome position (GRCh38, 1-based): chr6:152,301,909, T>A on the plus strand (A>T on the coding strand, the complement: SYNE1 is on the minus strand). VCF-style: chr6-152301909-T-A. GRCh37 (hg19) VCF-style: chr6-152623044-T-A.
Other names: c.17288A>T, p.Glu5763Val (NM_033071.5); c.17288A>T (NM_033071.3); short protein forms E5763V, E5834V.
Identifiers: ClinVar variation 1510256 (VCV001510256.7), dbSNP rs2153813002, ClinGen allele CA366103651.